The following is an entry in ClinVar:

ClinVar aggregate classification (germline): Uncertain significance (1 of 4 stars; one submission).

Conditions:
SEMA3F-related disorder. Also called: SEMA3F-related condition.

gnomAD v4.1: 32 of 1,613,638 alleles (0.002%); highest among the groups gnomAD compares: Non-Finnish European, 0.0027%; no homozygotes.

Submission:

PreventionGenetics, part of Exact Sciences
Classification: Uncertain significance for SEMA3F-related condition. Last evaluated: 2026-07-09. Review status: criteria provided, single submitter. Criteria: ACMG Guidelines, 2015. Collection method: clinical testing. Allele origin: germline.
Comment: The SEMA3F c.1230C>T variant is not predicted to result in an amino acid change (p.=). This variant is predicted to create a cryptic splice donor site (SpliceAI, Jaganathan et al. 2019. PubMed ID: 30661751). To our knowledge, this variant has not been reported in the literature. This variant is reported in 0.0026% of alleles in individuals of European (Non-Finnish) descent in gnomAD. At this time, the clinical significance of this variant is uncertain due to the absence of conclusive functional and genetic evidence.

NM_004186.5(SEMA3F):c.1230C>T (p.Gly410=)

Gene: SEMA3F (semaphorin 3F; plus strand). Cytogenetic location: 3p21.31.
Variant type: single nucleotide variant.
Coding change: c.1230C>T on transcript NM_004186.5 (MANE Select); coding-DNA position 1230, C replaced by T.
Protein change: p.Gly410=; no amino-acid change (glycine 410 retained).
Molecular consequence: synonymous variant.
Genome position (GRCh38, 1-based): chr3:50,183,561, C>T. VCF-style: chr3-50183561-C-T. GRCh37 (hg19) VCF-style: chr3-50220994-C-T.
Other names: c.933C>T, p.Gly311= (NM_001318798.2); c.1137C>T, p.Gly379= (NM_001318800.2).
Identifiers: ClinVar variation 4978059 (VCV004978059.1).
Genomic context (GRCh38, chr3:50,183,561, plus strand): 5'-AGAGGGGCCCAACTACCAGTGGATGCCCTTCTCAGGGAAGATGCCCTACCCACGGCCGGG[C>T]ACGGTAAGGACCCCACTCATCCTGCCTCTCCCCTTTCTCTTCTTCTAAGAGGCCTCTGGG-3'
Protein context (NP_004177.3, residues 400-420): FSGKMPYPRP[Gly410=]TCPGGTFTPS